The following is an entry in ClinVar:

ClinVar aggregate classification (germline): Uncertain significance (1 of 4 stars; one submission).

Conditions:
Primary immunodeficiency with post-measles-mumps-rubella vaccine viral infection. Also called: Immunodeficiency 44. Identifiers: Orphanet 431166, MedGen C4225260, MONDO:0014715, OMIM 616636.

Allele frequency attached by ClinVar (database versions not stated): gnomAD exomes below 0.00001 and 0.00001; TOPMed 0.00002; gnomAD 0.00005 and 0.00006.
gnomAD v4.1: 12 of 1,614,044 alleles (0.00074%); highest among the groups gnomAD compares: African/African-American, 0.011%; no homozygotes.

Submission:

Labcorp Genetics (formerly Invitae), Labcorp
Classification: Uncertain significance for Primary immunodeficiency with post-measles-mumps-rubella vaccine viral infection. Last evaluated: 2022-06-15. Review status: criteria provided, single submitter. Criteria: Invitae Variant Classification Sherloc (09022015). Collection method: clinical testing. Allele origin: germline.
Comment: This variant has not been reported in the literature in individuals affected with STAT2-related conditions. This variant is present in population databases (no rsID available, gnomAD 0.01%). This sequence change replaces glutamine, which is neutral and polar, with glutamic acid, which is acidic and polar, at codon 192 of the STAT2 protein (p.Gln192Glu). In summary, the available evidence is currently insufficient to determine the role of this variant in disease. Therefore, it has been classified as a Variant of Uncertain Significance. Advanced modeling of protein sequence and biophysical properties (such as structural, functional, and spatial information, amino acid conservation, physicochemical variation, residue mobility, and thermodynamic stability) performed at Invitae indicates that this missense variant is not expected to disrupt STAT2 protein function.

NM_005419.4(STAT2):c.574C>G (p.Gln192Glu)

Gene: STAT2 (signal transducer and activator of transcription 2; minus strand). Cytogenetic location: 12q13.3.
Variant type: single nucleotide variant.
Coding change: c.574C>G on transcript NM_005419.4 (MANE Select); coding-DNA position 574, C replaced by G.
Protein change: p.Gln192Glu; replaces glutamine 192 with glutamic acid.
Molecular consequence: missense variant.
Genome position (GRCh38, 1-based): chr12:56,354,837, G>C on the plus strand (C>G on the coding strand, the complement: STAT2 is on the minus strand). VCF-style: chr12-56354837-G-C. GRCh37 (hg19) VCF-style: chr12-56748621-G-C.
Other names: c.562C>G, p.Gln188Glu (NM_001385110.1, NM_001385115.1, NM_198332.2); c.574C>G, p.Gln192Glu (NM_001385111.1, NM_001385113.1, NM_001385114.1); short protein forms Q188E, Q192E.
Identifiers: ClinVar variation 1391274 (VCV001391274.8), dbSNP rs1254058764, ClinGen allele CA385262984.
Genomic context (GRCh38, chr12:56,354,837, plus strand): 5'-CCTTTCTCCTTTTGTCCAGTTCATTGAGAGTTTCCTGCAGAATCTTCTGCTCTTTGGTCT[G>C]ATGGGGGTCCAGAGAGGGTGTCTTCCCTGGATGGTGGGAACAGGAGTCAGTCCAGGGGTT-3'
Protein context (NP_005410.1, residues 182-202): KGKTPSLDPH[Gln192Glu]TKEQKILQET